The following is an entry in ClinVar:

NM_001354604.2(MITF):c.1072G>A (p.Val358Met)

Gene: MITF (melanocyte inducing transcription factor; plus strand). Cytogenetic location: 3p13.
Variant type: single nucleotide variant.
Coding change: c.1072G>A on transcript NM_001354604.2 (MANE Select); coding-DNA position 1072, G replaced by A.
Protein change: p.Val358Met; replaces valine 358 with methionine.
Molecular consequence: missense variant.
Genome position (GRCh38, 1-based): chr3:69,959,313, G>A. VCF-style: chr3-69959313-G-A. GRCh37 (hg19) VCF-style: chr3-70008464-G-A.
Other names: c.751G>A, p.Val251Met (NM_000248.4); c.898G>A, p.Val300Met (NM_001184967.2, NM_001354608.2); c.1069G>A, p.Val357Met (NM_001354605.2); c.1051G>A, p.Val351Met (NM_001354606.2, NM_006722.3); c.1003G>A, p.Val335Met (NM_001354607.2); c.733G>A, p.Val245Met (NM_198158.3); c.1054G>A, p.Val352Met (NM_198159.3); c.1006G>A, p.Val336Met (NM_198177.3); and 1 more; short protein forms V251M, V352M, V336M, V351M, V300M, V358M, V189M, V335M.
Identifiers: ClinVar variation 547535 (VCV000547535.17), dbSNP rs1271000541, ClinGen allele CA353561962.
Genomic context (GRCh38, chr3:69,959,313, plus strand): 5'-TTCCTCCATTTTCATCGCAGAGACATGCGCTGGAACAAGGGAACCATCTTAAAAGCATCC[G>A]TGGACTATATCCGAAAGTTGCAACGAGAACAGCAACGCGCAAAAGAACTTGAAAACCGAC-3'
Protein context (NP_001341533.1, residues 348-368): WNKGTILKAS[Val358Met]DYIRKLQREQ

ClinVar aggregate classification (germline): Conflicting classifications of pathogenicity. Review status: criteria provided, conflicting classifications (1 of 4 stars). 7 submissions from 7 submitters: Likely pathogenic (1); Uncertain significance (5). 1 of the submissions does not count toward it. Last evaluated 2026-10-13.

Conditions:
MITF-related disorder. Also called: MITF-related condition.
Melanoma, cutaneous malignant, susceptibility to, 8. Also called: MELANOMA AND RENAL CELL CARCINOMA, SUSCEPTIBILITY TO; Cutaneous malignant melanoma 8. Identifiers: Orphanet 293822, MedGen C3152204, MONDO:0013759, OMIM 614456.
Tietz syndrome (TADS). Also called: TIETZ ALBINISM-DEAFNESS SYNDROME; ALBINISM-DEAFNESS OF TIETZ; HYPOPIGMENTATION/DEAFNESS OF TIETZ. Identifiers: Orphanet 42665, MedGen C0391816, MONDO:0007077, OMIM 103500.
Waardenburg syndrome type 2A (WS2A). Also called: WAARDENBURG SYNDROME WITHOUT DYSTOPIA CANTHORUM. Identifiers: Orphanet 3440, MedGen C1860339, MONDO:0008671, OMIM 193510.
Coloboma, osteopetrosis, microphthalmia, macrocephaly, albinism, and deafness (COMMAD). Also called: COMMAD syndrome. Identifiers: Orphanet 603494, MedGen C4310625, MONDO:0015014, OMIM 617306.

Allele frequency attached by ClinVar (database versions not stated): gnomAD exomes below 0.00001.
gnomAD v4.1: 1 of 1,614,040 alleles (0.000062%); highest among the groups gnomAD compares: Non-Finnish European, 0.000085%; no homozygotes.

Submissions (7):

GeneDx
Classification: Likely pathogenic. Last evaluated: 2026-10-13. Review status: criteria provided, single submitter. Criteria: GeneDx Variant Classification Process June 2021. Collection method: clinical testing. Allele origin: germline.
Comment: Identified in a patient in published literature with congenital deafness and iris heterochromia, but this individual was also reported to have another variant in the MITF gene (PMID: 38374194); Not observed at significant frequency in large population cohorts (gnomAD); In silico analysis supports that this missense variant has a deleterious effect on protein structure/function; This variant is associated with the following publications: (PMID: 30978479, 38374194)

Labcorp Genetics (formerly Invitae), Labcorp
Classification: Uncertain significance for Melanoma, cutaneous malignant, susceptibility to, 8; Waardenburg syndrome type 2A; Tietz syndrome. Last evaluated: 2025-11-18. Review status: criteria provided, single submitter. Criteria: Invitae Variant Classification Sherloc (09022015). Collection method: clinical testing. Allele origin: germline.
Comment: This sequence change replaces valine, which is neutral and non-polar, with methionine, which is neutral and non-polar, at codon 251 of the MITF protein (p.Val251Met). This variant is not present in population databases (gnomAD no frequency). This missense change has been observed in individual(s) with clinical features of Waardenburg syndrome (PMID: 30978479, 38374194). ClinVar contains an entry for this variant (Variation ID: 547535). Invitae Evidence Modeling of protein sequence and biophysical properties (such as structural, functional, and spatial information, amino acid conservation, physicochemical variation, residue mobility, and thermodynamic stability) indicates that this missense variant is expected to disrupt MITF protein function with a positive predictive value of 80%. In summary, the available evidence is currently insufficient to determine the role of this variant in disease. Therefore, it has been classified as a Variant of Uncertain Significance.

Laboratory for Molecular Medicine, Mass General Brigham Personalized Medicine
Classification: Uncertain significance. Last evaluated: 2019-06-07. Review status: criteria provided, single submitter. Criteria: LMM Criteria. Collection method: clinical testing. Allele origin: germline. Observed: 2 variant alleles.
Comment: This variant has been reported in ClinVar (Variation ID 547535). Computational prediction tools and conservation analysis suggest that this variant may impact the protein, though this information is not predictive enough to determine pathogenicity. In summary, the clinical significance of the p.Val251Met variant is uncertain. ACMG/AMP Criteria applied: PM2, PP3, PP4.

Genomic Research Center, Shahid Beheshti University of Medical Sciences
Classification: Uncertain significance for Waardenburg syndrome type 2A. Last evaluated: 2018-08-07. Review status: criteria provided, single submitter. Criteria: ACMG Guidelines, 2015. Collection method: clinical testing. Allele origin: unknown. Affected: yes. Observed: 1 variant allele.

Center for Human Genetics, Inc
Classification: Uncertain significance for Waardenburg syndrome type 2A. Last evaluated: 2016-11-01. Review status: criteria provided, single submitter. Criteria: ACMG Guidelines, 2015. Collection method: clinical testing. Allele origin: germline. Affected: yes.

Juno Genomics, Hangzhou Juno Genomics, Inc
Classification: Uncertain significance for Melanoma, cutaneous malignant, susceptibility to, 8; Coloboma, osteopetrosis, microphthalmia, macrocephaly, albinism, and deafness; Tietz syndrome; Waardenburg syndrome type 2A. Review status: criteria provided, single submitter. Criteria: ACMG Guidelines, 2015. Collection method: clinical testing. Allele origin: germline. Affected: yes.
Comment: Absent from controls (or at extremely low frequency if recessive) in Genome Aggregation Database, Exome Sequencing Project, 1000 Genomes Project, or Exome Aggregation Consortium.;Multiple lines of computational evidence support a deleterious effect on the gene or gene product (conservation, evolutionary, splicing impact, etc).

PreventionGenetics, part of Exact Sciences
Classification: Likely pathogenic for MITF-related condition. Last evaluated: 2024-09-26. Review status: no assertion criteria provided. Collection method: clinical testing. Allele origin: germline. Not counted in ClinVar's aggregate classification.
Comment: The MITF c.751G>A variant is predicted to result in the amino acid substitution p.Val251Met. Additionally, this variant was identified in an individual with congenital deafness and iris heterochromia (Table S2, Abolhassani et al. 2024. PubMed ID: 38374194). This variant has not been reported in a large population database, indicating it is rare. We interpret this variant as likely pathogenic.

Literature cited by the submitters: PubMed 30978479 (cited by Labcorp Genetics (formerly Invitae), Labcorp); PubMed 38374194 (cited by Labcorp Genetics (formerly Invitae), Labcorp).